The following is an entry in ClinVar:

NM_001567.4(INPPL1):c.1021G>A (p.Gly341Arg)

Gene: INPPL1 (inositol polyphosphate phosphatase like 1; plus strand). Cytogenetic location: 11q13.4.
Variant type: single nucleotide variant.
Coding change: c.1021G>A on transcript NM_001567.4 (MANE Select); coding-DNA position 1021, G replaced by A.
Protein change: p.Gly341Arg; replaces glycine 341 with arginine.
Molecular consequence: missense variant.
Genome position (GRCh38, 1-based): chr11:72,230,202, G>A. VCF-style: chr11-72230202-G-A. GRCh37 (hg19) VCF-style: chr11-71941246-G-A.
Other names: short protein forms G341R.
Identifiers: ClinVar variation 2169011 (VCV002169011.4), dbSNP rs1948792407, ClinGen allele CA381724412.

ClinVar aggregate classification (germline): Uncertain significance (1 of 4 stars; one submission).

Allele frequency attached by ClinVar (database versions not stated): gnomAD exomes below 0.00001.
gnomAD v4.1: 3 of 1,612,452 alleles (0.00019%); highest among the groups gnomAD compares: Non-Finnish European, 0.00025%; no homozygotes.

Submission:

Labcorp Genetics (formerly Invitae), Labcorp
Classification: Uncertain significance. Last evaluated: 2022-07-25. Review status: criteria provided, single submitter. Criteria: Invitae Variant Classification Sherloc (09022015). Collection method: clinical testing. Allele origin: germline.
Comment: In summary, the available evidence is currently insufficient to determine the role of this variant in disease. Therefore, it has been classified as a Variant of Uncertain Significance. Algorithms developed to predict the effect of missense changes on protein structure and function are either unavailable or do not agree on the potential impact of this missense change (SIFT: "Deleterious"; PolyPhen-2: "Probably Damaging"; Align-GVGD: "Class C0"). This variant has not been reported in the literature in individuals affected with INPPL1-related conditions. This variant is not present in population databases (gnomAD no frequency). This sequence change replaces glycine, which is neutral and non-polar, with arginine, which is basic and polar, at codon 341 of the INPPL1 protein (p.Gly341Arg).